The following is an entry in ClinVar:

ClinVar aggregate classification (germline): Uncertain significance. Review status: criteria provided, multiple submitters, no conflicts (2 of 4 stars). 2 submissions from 2 submitters: Uncertain significance (2). Last evaluated 2025-11-16.

gnomAD v4.1: 39 of 1,613,932 alleles (0.0024%); highest among the groups gnomAD compares: Admixed American, 0.005%; no homozygotes.

Submissions (2):

Labcorp Genetics (formerly Invitae), Labcorp
Classification: Uncertain significance. Last evaluated: 2025-11-16. Review status: criteria provided, single submitter. Criteria: Invitae Variant Classification Sherloc (09022015). Collection method: clinical testing. Allele origin: germline.
Comment: This sequence change replaces arginine, which is basic and polar, with glutamine, which is neutral and polar, at codon 84 of the KRT3 protein (p.Arg84Gln). This variant is present in population databases (rs757365353, gnomAD 0.009%). This variant has not been reported in the literature in individuals affected with KRT3-related conditions. ClinVar contains an entry for this variant (Variation ID: 4094852). Invitae Evidence Modeling of protein sequence and biophysical properties (such as structural, functional, and spatial information, amino acid conservation, physicochemical variation, residue mobility, and thermodynamic stability) indicates that this missense variant is not expected to disrupt KRT3 protein function with a negative predictive value of 95%. In summary, the available evidence is currently insufficient to determine the role of this variant in disease. Therefore, it has been classified as a Variant of Uncertain Significance.

Ambry Genetics
Classification: Uncertain significance. Last evaluated: 2025-08-24. Review status: criteria provided, single submitter. Criteria: Ambry Variant Classification Scheme 2023. Collection method: clinical testing. Allele origin: germline.

NM_057088.3(KRT3):c.251G>A (p.Arg84Gln)

Gene: KRT3 (keratin 3; minus strand). Cytogenetic location: 12q13.13.
Variant type: single nucleotide variant.
Coding change: c.251G>A on transcript NM_057088.3 (MANE Select); coding-DNA position 251, G replaced by A.
Protein change: p.Arg84Gln; replaces arginine 84 with glutamine.
Molecular consequence: missense variant.
Genome position (GRCh38, 1-based): chr12:52,795,792, C>T on the plus strand (G>A on the coding strand, the complement: KRT3 is on the minus strand). VCF-style: chr12-52795792-C-T. GRCh37 (hg19) VCF-style: chr12-53189576-C-T.
Other names: short protein forms R84Q.
Identifiers: ClinVar variation 4094852 (VCV004094852.2).